The following is an entry in ClinVar:

NM_001388492.1(HTT):c.1615G>A (p.Ala539Thr)

Gene: HTT (huntingtin; plus strand). Cytogenetic location: 4p16.3.
Variant type: single nucleotide variant.
Coding change: c.1615G>A on transcript NM_001388492.1 (MANE Select); coding-DNA position 1615, G replaced by A.
Protein change: p.Ala539Thr; replaces alanine 539 with threonine.
Molecular consequence: missense variant.
Genome position (GRCh38, 1-based): chr4:3,127,476, G>A. VCF-style: chr4-3127476-G-A. GRCh37 (hg19) VCF-style: chr4-3129203-G-A.
Other names: c.1621G>A, p.Ala541Thr (NM_002111.8); short protein forms A539T, A541T.
Identifiers: ClinVar variation 1347123 (VCV001347123.6), dbSNP rs141760655, ClinGen allele CA2823587.
Genomic context (GRCh38, chr4:3,127,476, plus strand): 5'-AGCTCTGCCACTGATGGGGATGAGGAGGATATCTTGAGCCACAGCTCCAGCCAGGTCAGC[G>A]CCGTCCCATCTGACCCTGCCATGGACCTGAATGATGGGACCCAGGCCTCGTCGCCCATCA-3'
Protein context (NP_001375421.1, residues 529-549): ILSHSSSQVS[Ala539Thr]VPSDPAMDLN

ClinVar aggregate classification (germline): Uncertain significance (1 of 4 stars; one submission).

Allele frequency attached by ClinVar (database versions not stated): ExAC 0.00006; gnomAD exomes 0.00006 and 0.00008; ESP Exome Variant Server 0.00008; 1000 Genomes Project 30x 0.00016; TOPMed 0.00017; 1000 Genomes Project 0.00020; gnomAD 0.00023 and 0.00027.
gnomAD v4.1: 153 of 1,614,132 alleles (0.0095%); highest among the groups gnomAD compares: African/African-American, 0.084%; no homozygotes.

Submission:

Labcorp Genetics (formerly Invitae), Labcorp
Classification: Uncertain significance. Last evaluated: 2022-07-06. Review status: criteria provided, single submitter. Criteria: Invitae Variant Classification Sherloc (09022015). Collection method: clinical testing. Allele origin: germline.
Comment: This sequence change replaces alanine, which is neutral and non-polar, with threonine, which is neutral and polar, at codon 541 of the HTT protein (p.Ala541Thr). This variant is present in population databases (rs141760655, gnomAD 0.06%). This variant has not been reported in the literature in individuals affected with HTT-related conditions. ClinVar contains an entry for this variant (Variation ID: 1347123). In summary, the available evidence is currently insufficient to determine the role of this variant in disease. Therefore, it has been classified as a Variant of Uncertain Significance.